The following is an entry in ClinVar:

ClinVar aggregate classification (germline): Pathogenic. Review status: reviewed by expert panel (3 of 4 stars). 2 submissions from 2 submitters: Pathogenic (1). 1 of the submissions does not count toward it. Last evaluated 2016-10-18.

Conditions:
Breast-ovarian cancer, familial, susceptibility to, 2 (BROVCA2). Also called: BRCA2 Hereditary Breast and Ovarian Cancer. Identifiers: Orphanet 145, MedGen C2675520, MONDO:0012933, OMIM 612555. Disease mechanism: loss of function.

Submissions (2):

Evidence-based Network for the Interpretation of Germline Mutant Alleles (ENIGMA)
Classification: Pathogenic for Breast-ovarian cancer, familial, susceptibility to, 2. Last evaluated: 2016-10-18. Review status: reviewed by expert panel. Criteria: ENIGMA BRCA1/2 Classification Criteria (2015). Collection method: curation. Allele origin: germline.
Comment: Variant allele predicted to encode a truncated non-functional protein.

Consortium of Investigators of Modifiers of BRCA1/2 (CIMBA), c/o University of Cambridge
Classification: Pathogenic for Breast-ovarian cancer, familial, susceptibility to, 2. Last evaluated: 2015-10-02. Review status: criteria provided, single submitter. Criteria: CIMBA Mutation Classification guidelines May 2016. Collection method: clinical testing. Allele origin: germline. Not counted in ClinVar's aggregate classification.

NM_000059.4(BRCA2):c.6260_6263del (p.Arg2087fs)

Gene: BRCA2 (BRCA2 DNA repair associated; plus strand). Cytogenetic location: 13q13.1.
Variant type: Deletion.
Coding change: c.6260_6263del on transcript NM_000059.4 (MANE Select); coding-DNA positions 6260 to 6263, 4 bases deleted (GAAC; older notation c.6260_6263delGAAC).
Protein change: p.Arg2087fs; shifts the reading frame from arginine 2087.
Molecular consequence: frameshift variant.
Genome position (GRCh38, 1-based): chr13:32,340,615-32,340,618, GAAC deleted. VCF-style (leftmost placement, unchanged base first): chr13-32340614-AGAAC-A. GRCh37 (hg19) VCF-style: chr13-32914751-AGAAC-A.
Other names: 6486_6489del4; short protein forms R2087fs.
Identifiers: ClinVar variation 266934 (VCV000266934.5), dbSNP rs886040645, ClinGen allele CA10589364.